The following is an entry in ClinVar:

NM_000123.4(ERCC5):c.3492C>T (p.Thr1164=)

Genes: BIVM-ERCC5 (BIVM-ERCC5 readthrough; plus strand), ERCC5 (ERCC excision repair 5, endonuclease; plus strand). Cytogenetic location: 13q33.1.
Variant type: single nucleotide variant.
Coding change: c.3492C>T on transcript NM_000123.4 (MANE Select); coding-DNA position 3492, C replaced by T.
Protein change: p.Thr1164=; no amino-acid change (threonine 1164 retained).
Molecular consequence: synonymous variant.
Genome position (GRCh38, 1-based): chr13:102,875,834, C>T. VCF-style: chr13-102875834-C-T. GRCh37 (hg19) VCF-style: chr13-103528184-C-T.
Other names: c.4854C>T, p.Thr1618= (NM_001204425.2).
Identifiers: ClinVar variation 719027 (VCV000719027.15), dbSNP rs148782406, ClinGen allele CA7041912.

ClinVar aggregate classification (germline): Conflicting classifications of pathogenicity. Review status: criteria provided, conflicting classifications (1 of 4 stars). 4 submissions from 4 submitters: Uncertain significance (1); Likely benign (2). 1 of the submissions does not count toward it. Last evaluated 2026-01-28.

Conditions:
Xeroderma pigmentosum, group G (XPG). Also called: ERCC5-Related Xeroderma Pigmentosum; XERODERMA PIGMENTOSUM VII; XP, GROUP G; Xeroderma pigmentosum type 7. Identifiers: MedGen C0268141, MONDO:0010216, OMIM 278780.
BIVM-ERCC5-related disorder. Also called: BIVM-ERCC5-related condition.

Allele frequency attached by ClinVar (database versions not stated): TOPMed 0.00003.
gnomAD v4.1: 53 of 1,613,028 alleles (0.0033%); highest among the groups gnomAD compares: East Asian, 0.011%; no homozygotes.

Submissions (4):

Labcorp Genetics (formerly Invitae), Labcorp
Classification: Likely benign. Last evaluated: 2026-01-28. Review status: criteria provided, single submitter. Criteria: Invitae Variant Classification Sherloc (09022015). Collection method: clinical testing. Allele origin: germline.

Blueprint Genetics
Classification: Likely benign. Last evaluated: 2024-11-25. Review status: criteria provided, single submitter. Criteria: ACMG Guidelines, 2015. Collection method: clinical testing. Allele origin: germline.

Illumina Laboratory Services, Illumina
Classification: Uncertain significance for Xeroderma pigmentosum, group G. Last evaluated: 2018-01-13. Review status: criteria provided, single submitter. Criteria: ICSL Variant Classification Criteria 13 December 2019. Collection method: clinical testing. Allele origin: germline.

PreventionGenetics, part of Exact Sciences
Classification: Likely benign for BIVM-ERCC5-related condition. Last evaluated: 2019-03-18. Review status: no assertion criteria provided. Collection method: clinical testing. Allele origin: germline. Not counted in ClinVar's aggregate classification.
Comment: This variant is classified as likely benign based on ACMG/AMP sequence variant interpretation guidelines (Richards et al. 2015 PMID: 25741868, with internal and published modifications).